The following is an entry in ClinVar:

ClinVar aggregate classification (germline): Uncertain significance (1 of 4 stars; one submission).

Conditions:
Hereditary cancer-predisposing syndrome. Also called: Neoplastic Syndromes, Hereditary; Tumor predisposition; Hereditary neoplastic syndrome; Hereditary Cancer Syndrome. Identifiers: Orphanet 140162, MedGen C0027672, MeSH D009386, MONDO:0015356.

Submission:

Ambry Genetics
Classification: Uncertain significance for Hereditary cancer-predisposing syndrome. Last evaluated: 2026-07-02. Review status: criteria provided, single submitter. Criteria: Ambry Variant Classification Scheme 2023. Collection method: clinical testing. Allele origin: germline.
Comment: The p.D2023H variant (also known as c.6067G>C), located in coding exon 10 of the BRCA2 gene, results from a G to C substitution at nucleotide position 6067. The aspartic acid at codon 2023 is replaced by histidine, an amino acid with similar properties. This amino acid position is conserved. In addition, this alteration is predicted to be tolerated by in silico analysis. Based on the available evidence, the clinical significance of this variant remains unclear.

NM_000059.4(BRCA2):c.6067G>C (p.Asp2023His)

Gene: BRCA2 (BRCA2 DNA repair associated; plus strand). Cytogenetic location: 13q13.1.
Variant type: single nucleotide variant.
Coding change: c.6067G>C on transcript NM_000059.4 (MANE Select); coding-DNA position 6067, G replaced by C.
Protein change: p.Asp2023His; replaces aspartic acid 2023 with histidine.
Molecular consequence: missense variant. On other transcripts: intron variant (2), non-coding transcript variant (1).
Genome position (GRCh38, 1-based): chr13:32,340,422, G>C. VCF-style: chr13-32340422-G-C. GRCh37 (hg19) VCF-style: chr13-32914559-G-C.
Other names: c.1910-4136G>C (NM_001406721.1); c.425-4136G>C (NM_001406722.1); c.6067G>C, p.Asp2023His (NM_001406719.1, NM_001406720.1, NM_001432077.1); short protein forms D2023H.
Identifiers: ClinVar variation 5033224 (VCV005033224.1).